The following is an entry in ClinVar:

ClinVar aggregate classification (germline): Uncertain significance (1 of 4 stars; one submission).

gnomAD v4.1: 1 of 1,612,440 alleles (0.000062%); highest among the groups gnomAD compares: Non-Finnish European, 0.000085%; no homozygotes.

Submission:

GeneDx
Classification: Uncertain significance. Last evaluated: 2024-06-04. Review status: criteria provided, single submitter. Criteria: GeneDx Variant Classification Process June 2021. Collection method: clinical testing. Allele origin: germline. Affected: yes.
Comment: Not observed at significant frequency in large population cohorts (gnomAD); In silico analysis indicates that this missense variant does not alter protein structure/function; Has not been previously published as pathogenic or benign to our knowledge

NM_002911.4(UPF1):c.1948G>A (p.Val650Met)

Gene: UPF1 (UPF1 RNA helicase and ATPase; plus strand). Cytogenetic location: 19p13.11.
Variant type: single nucleotide variant.
Coding change: c.1948G>A on transcript NM_002911.4 (MANE Select); coding-DNA position 1948, G replaced by A.
Protein change: p.Val650Met; replaces valine 650 with methionine.
Molecular consequence: missense variant.
Genome position (GRCh38, 1-based): chr19:18,857,000, G>A. VCF-style: chr19-18857000-G-A. GRCh37 (hg19) VCF-style: chr19-18967809-G-A.
Other names: c.1981G>A, p.Val661Met (NM_001297549.2); short protein forms V650M, V661M.
Identifiers: ClinVar variation 3384555 (VCV003384555.1).